The following is an entry in ClinVar:

NM_001110556.2(FLNA):c.1372G>A (p.Val458Ile)

Gene: FLNA (filamin A; minus strand). Cytogenetic location: Xq28.
Variant type: single nucleotide variant.
Coding change: c.1372G>A on transcript NM_001110556.2 (MANE Select); coding-DNA position 1372, G replaced by A.
Protein change: p.Val458Ile; replaces valine 458 with isoleucine.
Molecular consequence: missense variant.
Genome position (GRCh38, 1-based): chrX:154,366,081, C>T on the plus strand (G>A on the coding strand, the complement: FLNA is on the minus strand). VCF-style: chrX-154366081-C-T. GRCh37 (hg19) VCF-style: chrX-153594449-C-T.
Other names: c.1372G>A (NM_001110556.1); c.1372G>A, p.Val458Ile (NM_001456.4); short protein forms V458I.
Identifiers: ClinVar variation 211011 (VCV000211011.19), dbSNP rs782791907, ClinGen allele CA208448.

ClinVar aggregate classification (germline): Conflicting classifications of pathogenicity. Review status: criteria provided, conflicting classifications (1 of 4 stars). 7 submissions from 7 submitters: Uncertain significance (5); Benign (1); Likely benign (1). Last evaluated 2026-03-12.

Conditions:
Oto-palato-digital syndrome, type II (OPD2). Also called: FACIOPALATOOSSEOUS SYNDROME; Otopalatodigital Syndrome, Type II; Otopalatodigital Syndrome Type 2 (FLNA-OPD2); OPD II SYNDROME. Identifiers: Orphanet 669, Orphanet 90652, MedGen C1844696, MONDO:0010571, OMIM 304120.
Heterotopia, periventricular, X-linked dominant (PVNH1). Also called: X-linked periventricular heterotopia; PERIVENTRICULAR NODULAR HETEROTOPIA 1; PERIVENTRICULAR NODULAR HETEROTOPIA 4; HETEROTOPIA, PERIVENTRICULAR, 1. Identifiers: Orphanet 2149, Orphanet 82004, MedGen C1848213, MONDO:0010233, OMIM 300049.
Frontometaphyseal dysplasia (FMD1). Identifiers: Orphanet 1826, MedGen C0265293, MONDO:0015942.
Melnick-Needles syndrome (MNS). Also called: Melnick-Needles Syndrome (FLNA-MNS); MELNICK-NEEDLES OSTEODYSPLASTY; OSTEODYSPLASTY OF MELNICK AND NEEDLES. Identifiers: Orphanet 2484, MedGen C0025237, MONDO:0010650, OMIM 309350.
Familial thoracic aortic aneurysm and aortic dissection (TAAD). Also called: Thoracic aortic aneurysms and dissections. Identifiers: Orphanet 91387, MedGen C4707243, MONDO:0019625.

Allele frequency attached by ClinVar (database versions not stated): ExAC 0.00001; gnomAD 0.00001; gnomAD exomes 0.00001 and 0.00002.
gnomAD v4.1: 31 of 1,209,157 alleles (0.0026%); highest among the groups gnomAD compares: Middle Eastern, 0.12%; no homozygotes.

Submissions (7):

Ambry Genetics
Classification: Uncertain significance for Familial thoracic aortic aneurysm and aortic dissection. Last evaluated: 2026-03-12. Review status: criteria provided, single submitter. Criteria: Ambry Variant Classification Scheme 2023. Collection method: clinical testing. Allele origin: germline.
Comment: The p.V458I variant (also known as c.1372G>A), located in coding exon 8 of the FLNA gene, results from a G to A substitution at nucleotide position 1372. The valine at codon 458 is replaced by isoleucine, an amino acid with highly similar properties. This amino acid position is conserved. In addition, this alteration is predicted to be tolerated by in silico analysis. Based on the available evidence, the clinical significance of this variant remains unclear.

Labcorp Genetics (formerly Invitae), Labcorp
Classification: Benign for Oto-palato-digital syndrome, type II; Heterotopia, periventricular, X-linked dominant; Frontometaphyseal dysplasia; Melnick-Needles syndrome. Last evaluated: 2025-09-15. Review status: criteria provided, single submitter. Criteria: Invitae Variant Classification Sherloc (09022015). Collection method: clinical testing. Allele origin: germline.

Blueprint Genetics
Classification: Likely benign. Last evaluated: 2024-04-18. Review status: criteria provided, single submitter. Criteria: ACMG Guidelines, 2015. Collection method: clinical testing. Allele origin: germline.

ARUP Laboratories, Molecular Genetics and Genomics, ARUP Laboratories
Classification: Uncertain significance. Last evaluated: 2022-12-22. Review status: criteria provided, single submitter. Criteria: ARUP Molecular Germline Variant Investigation Process 2024. Collection method: clinical testing. Allele origin: germline.
Comment: The FLNA c.1372G>A; p.Val458Ile variant (rs782791907), to our knowledge, is not reported in the medical literature but is reported in ClinVar (Variation ID: 211011). This variant is only observed on two alleles in the Genome Aggregation Database, indicating it is not a common polymorphism. The valine at codon 458 is moderately conserved, and computational analyses predict that this variant is neutral (REVEL: 0.131). Due to limited information, the clinical significance of this variant is uncertain at this time.

Institute for Clinical Genetics, University Hospital TU Dresden, University Hospital TU Dresden
Classification: Uncertain significance. Last evaluated: 2021-11-03. Review status: criteria provided, single submitter. Criteria: ACMG Guidelines, 2015. Collection method: clinical testing. Allele origin: germline.

Dubai Health Genomic Medicine Center, Dubai Health
Classification: Uncertain significance for Heterotopia, periventricular, X-linked dominant. Last evaluated: 2020-09-24. Review status: criteria provided, single submitter. Criteria: ACMG Guidelines, 2015. Collection method: clinical testing. Allele origin: germline. Affected: yes.

Genetic Services Laboratory, University of Chicago
Classification: Uncertain significance. Last evaluated: 2015-05-04. Review status: criteria provided, single submitter. Criteria: ACMG Guidelines, 2015. Collection method: clinical testing. Allele origin: germline.